The following is an entry in ClinVar:

NM_024642.5(GALNT12):c.732-20G>A

Gene: GALNT12 (polypeptide N-acetylgalactosaminyltransferase 12; plus strand). Cytogenetic location: 9q22.33.
Variant type: single nucleotide variant.
Coding change: c.732-20G>A on transcript NM_024642.5 (MANE Select); 20 bases into the intron before coding-DNA position 732, G replaced by A.
Molecular consequence: intron variant.
Genome position (GRCh38, 1-based): chr9:98,831,752, G>A. VCF-style: chr9-98831752-G-A. GRCh37 (hg19) VCF-style: chr9-101594034-G-A.
Identifiers: ClinVar variation 4876149 (VCV004876149.1).

ClinVar aggregate classification (germline): Likely benign (1 of 4 stars; one submission).

Conditions:
Colorectal cancer, susceptibility to, 1. Also called: COLORECTAL ADENOMA AND CANCER, SUSCEPTIBILITY TO; COLORECTAL CANCER, SUSCEPTIBILITY TO, ON CHROMOSOME 9. Identifiers: MedGen C1837315, MONDO:0012132, OMIM 608812.

gnomAD v4.1: 12 of 1,614,142 alleles (0.00074%); highest among the groups gnomAD compares: Admixed American, 0.0033%; no homozygotes.

Submission:

Myriad Genetics, Inc.
Classification: Likely benign for Colorectal cancer, susceptibility to, 1. Last evaluated: 2026-04-21. Review status: criteria provided, single submitter. Criteria: Myriad Autosomal Dominant, Autosomal Recessive and X-Linked Classification Criteria (2023). Collection method: clinical testing. Allele origin: unknown.
Comment: This variant is considered likely benign. This variant is intronic and is not expected to impact mRNA splicing.